The following is an entry in ClinVar:

ClinVar aggregate classification (germline): Pathogenic (1 of 4 stars; one submission).

Conditions:
Duchenne muscular dystrophy (DMD). Also called: MUSCULAR DYSTROPHY, PSEUDOHYPERTROPHIC PROGRESSIVE, DUCHENNE TYPE; Duchenne Muscular Dystrophy (DMD). Identifiers: Orphanet 98896, MedGen C0013264, MONDO:0010679, OMIM 310200.

Submission:

Labcorp Genetics (formerly Invitae), Labcorp
Classification: Pathogenic for Duchenne muscular dystrophy. Last evaluated: 2024-11-12. Review status: criteria provided, single submitter. Criteria: Invitae Variant Classification Sherloc (09022015). Collection method: clinical testing. Allele origin: germline.
Comment: This sequence change creates a premature translational stop signal (p.Pro1990Leufs*12) in the DMD gene. It is expected to result in an absent or disrupted protein product. Loss-of-function variants in DMD are known to be pathogenic (PMID: 16770791, 25007885). This variant is not present in population databases (gnomAD no frequency). This variant has not been reported in the literature in individuals affected with DMD-related conditions. For these reasons, this variant has been classified as Pathogenic.

Literature cited by the submitters: PubMed 16770791; PubMed 25007885.

NM_004006.3(DMD):c.5969del (p.Pro1990fs)

Gene: DMD (dystrophin; minus strand). Cytogenetic location: Xp21.1.
Variant type: Deletion.
Coding change: c.5969del on transcript NM_004006.3 (MANE Select); coding-DNA position 5969, one base deleted (C; older notation c.5969delC).
Protein change: p.Pro1990fs; shifts the reading frame from proline 1990.
Molecular consequence: frameshift variant.
Genome position (GRCh38, 1-based): chrX:32,310,230, G deleted on the plus strand (C on the coding strand, the reverse complement: DMD is on the minus strand); the first of 2 consecutive G bases (chrX:32,310,230-32,310,231); deleting either gives the same sequence. VCF-style (leftmost placement, unchanged base first): chrX-32310229-AG-A. GRCh37 (hg19) VCF-style: chrX-32328346-AG-A.
Other names: c.5945del, p.Pro1982fs (NM_000109.4); c.5957del, p.Pro1986fs (NM_004009.3); c.5600del, p.Pro1867fs (NM_004010.3); c.1946del, p.Pro649fs (NM_004011.4); c.1937del, p.Pro646fs (NM_004012.4); short protein forms P1986fs, P1990fs, P649fs, P1867fs, P1982fs, P646fs.
Identifiers: ClinVar variation 3712254 (VCV003712254.2).